The following is an entry in ClinVar:

ClinVar aggregate classification (germline): Benign. Review status: criteria provided, multiple submitters, no conflicts (2 of 4 stars). 2 submissions from 2 submitters: Benign (2). Last evaluated 2018-01-13.

Conditions:
Rotor syndrome (HBLRR). Also called: HYPERBILIRUBINEMIA, ROTOR TYPE, DIGENIC; HYPERBILIRUBINEMIA, ROTOR TYPE. Identifiers: Orphanet 3111, MedGen C0220991, MONDO:0009379, OMIM 237450.

Allele frequency attached by ClinVar (database versions not stated): 1000 Genomes Project 30x 0.00671; TOPMed 0.00175; 1000 Genomes Project 0.00699; gnomAD 0.00167 and 0.00136.

Submissions (2):

Illumina Laboratory Services, Illumina
Classification: Benign for Rotor syndrome. Last evaluated: 2018-01-13. Review status: criteria provided, single submitter. Criteria: ICSL Variant Classification Criteria 13 December 2019. Collection method: clinical testing. Allele origin: germline.
Comment: This variant was observed in the ICSL laboratory as part of a predisposition screen in an ostensibly healthy population. It had not been previously curated by ICSL or reported in the Human Gene Mutation Database (HGMD: prior to June 1st, 2018), and was therefore a candidate for classification through an automated scoring system. Utilizing variant allele frequency, disease prevalence and penetrance estimates, and inheritance mode, an automated score was calculated to assess if this variant is too frequent to cause the disease. Based on the score and internal cut-off values, a variant classified as benign is not then subjected to further curation. The score for this variant resulted in a classification of benign for this disease.

Breakthrough Genomics
Classification: Benign. Review status: criteria provided, single submitter. Criteria: ACMG Guidelines, 2015. Collection method: not provided. Allele origin: germline. Inheritance: Autosomal recessive inheritance. Affected: yes.

NM_019844.3(SLCO1B3):c.-241G>A

Gene: SLCO1B3 (solute carrier organic anion transporter family member 1B3; plus strand). Cytogenetic location: 12p12.2.
Variant type: single nucleotide variant.
Coding change: c.-241G>A on transcript NM_019844.3; 241 bases upstream of the start codon, G replaced by A.
Genome position (GRCh38, 1-based): chr12:20,810,704, G>A. VCF-style: chr12-20810704-G-A. GRCh37 (hg19) VCF-style: chr12-20963638-G-A.
Identifiers: ClinVar variation 307880 (VCV000307880.8), dbSNP rs59312184, ClinGen allele CA10641498.